The following is an entry in ClinVar:

NM_000069.3(CACNA1S):c.82C>A (p.Pro28Thr)

Gene: CACNA1S (calcium voltage-gated channel subunit alpha1 S; minus strand). Cytogenetic location: 1q32.1.
Variant type: single nucleotide variant.
Coding change: c.82C>A on transcript NM_000069.3 (MANE Select); coding-DNA position 82, C replaced by A.
Protein change: p.Pro28Thr; replaces proline 28 with threonine.
Molecular consequence: missense variant.
Genome position (GRCh38, 1-based): chr1:201,112,258, G>T on the plus strand (C>A on the coding strand, the complement: CACNA1S is on the minus strand). VCF-style: chr1-201112258-G-T. GRCh37 (hg19) VCF-style: chr1-201081386-G-T.
Other names: short protein forms P28T.
Identifiers: ClinVar variation 1695820 (VCV001695820.6), dbSNP rs1297380219, ClinGen allele CA344158185.

ClinVar aggregate classification (germline): Uncertain significance. Review status: criteria provided, multiple submitters, no conflicts (2 of 4 stars). 3 submissions from 3 submitters: Uncertain significance (3). Last evaluated 2025-09-13.

Conditions:
Malignant hyperthermia, susceptibility to, 5 (MHS5). Also called: CACNA1S-Related Malignant Hyperthermia Susceptibility. Identifiers: Orphanet 423, MedGen C1866077, MONDO:0011163, OMIM 601887.
Hypokalemic periodic paralysis, type 1. Also called: HypoPP; Hypokalemic Periodic Paralysis Type 1 (AD). Identifiers: Orphanet 681, MedGen C3714580, MONDO:0042979, OMIM 170400.

Submissions (3):

Labcorp Genetics (formerly Invitae), Labcorp
Classification: Uncertain significance for Hypokalemic periodic paralysis, type 1; Malignant hyperthermia, susceptibility to, 5. Last evaluated: 2025-09-13. Review status: criteria provided, single submitter. Criteria: Invitae Variant Classification Sherloc (09022015). Collection method: clinical testing. Allele origin: germline.
Comment: This sequence change replaces proline, which is neutral and non-polar, with threonine, which is neutral and polar, at codon 28 of the CACNA1S protein (p.Pro28Thr). This variant is not present in population databases (gnomAD no frequency). This variant has not been reported in the literature in individuals affected with CACNA1S-related conditions. ClinVar contains an entry for this variant (Variation ID: 1695820). Invitae Evidence Modeling of protein sequence and biophysical properties (such as structural, functional, and spatial information, amino acid conservation, physicochemical variation, residue mobility, and thermodynamic stability) indicates that this missense variant is not expected to disrupt CACNA1S protein function with a negative predictive value of 95%. In summary, the available evidence is currently insufficient to determine the role of this variant in disease. Therefore, it has been classified as a Variant of Uncertain Significance.

All of Us Research Program, National Institutes of Health
Classification: Uncertain significance for Malignant hyperthermia, susceptibility to, 5. Last evaluated: 2023-08-15. Review status: criteria provided, single submitter. Criteria: ACMG Guidelines, 2015. Collection method: clinical testing. Allele origin: germline. Inheritance: Autosomal dominant inheritance. Observed: 1 variant allele, 1 heterozygote.
Comment: This study involves interpretation of variants in research participants for the purpose of population health screening. Participant phenotype was not available at the time of variant classification. Additional details can be found in publication PMID: 35346344, PMCID: PMC8962531

GeneDx
Classification: Uncertain significance. Last evaluated: 2022-01-11. Review status: criteria provided, single submitter. Criteria: GeneDx Variant Classification Process June 2021. Collection method: clinical testing. Allele origin: germline. Affected: yes.
Comment: Not observed at significant frequency in large population cohorts (gnomAD); In silico analysis supports that this missense variant has a deleterious effect on protein structure/function; Has not been previously published as pathogenic or benign to our knowledge